The following is an entry in ClinVar:

NM_015122.3(FCHO1):c.1763C>T (p.Pro588Leu)

Gene: FCHO1 (FCH and mu domain containing endocytic adaptor 1; plus strand). Cytogenetic location: 19p13.11.
Variant type: single nucleotide variant.
Coding change: c.1763C>T on transcript NM_015122.3 (MANE Select); coding-DNA position 1763, C replaced by T.
Protein change: p.Pro588Leu; replaces proline 588 with leucine.
Molecular consequence: missense variant. On other transcripts: non-coding transcript variant (36).
Genome position (GRCh38, 1-based): chr19:17,781,474, C>T. VCF-style: chr19-17781474-C-T. GRCh37 (hg19) VCF-style: chr19-17892283-C-T.
Other names: c.1763C>T, p.Pro588Leu (NM_001161357.2, NM_001161358.2, NM_001384370.1 and 13 more transcripts); c.1613C>T, p.Pro538Leu (NM_001161359.2, NM_001384384.1, NM_001384385.1 and 1 more transcripts); c.1724C>T, p.Pro575Leu (NM_001384388.1, NM_001384389.1, NM_001384405.1); c.1688C>T, p.Pro563Leu (NM_001384390.1); c.1646C>T, p.Pro549Leu (NM_001384392.1, NM_001384393.1, NM_001384394.1 and 1 more transcripts); c.1487C>T, p.Pro496Leu (NM_001384396.1, NM_001384397.1, NM_001384398.1 and 5 more transcripts); c.1442C>T, p.Pro481Leu (NM_001384403.1); c.1337C>T, p.Pro446Leu (NM_001384406.1); and 1 more; short protein forms P481L, P563L, P538L, P549L, P575L, P398L, P446L, P496L.
Identifiers: ClinVar variation 1350747 (VCV001350747.6), dbSNP rs2093405999, ClinGen allele CA404754799.

ClinVar aggregate classification (germline): Uncertain significance. Review status: criteria provided, multiple submitters, no conflicts (2 of 4 stars). 2 submissions from 2 submitters: Uncertain significance (2). Last evaluated 2024-03-05.

gnomAD v4.1: 13 of 1,614,082 alleles (0.00081%); highest among the groups gnomAD compares: Non-Finnish European, 0.0011%; no homozygotes.

Submissions (2):

Blueprint Genetics
Classification: Uncertain significance. Last evaluated: 2024-03-05. Review status: criteria provided, single submitter. Criteria: ACMG Guidelines, 2015. Collection method: clinical testing. Allele origin: germline.

Labcorp Genetics (formerly Invitae), Labcorp
Classification: Uncertain significance. Last evaluated: 2022-06-20. Review status: criteria provided, single submitter. Criteria: Invitae Variant Classification Sherloc (09022015). Collection method: clinical testing. Allele origin: germline.
Comment: This sequence change replaces proline, which is neutral and non-polar, with leucine, which is neutral and non-polar, at codon 588 of the FCHO1 protein (p.Pro588Leu). This variant is not present in population databases (gnomAD no frequency). This variant has not been reported in the literature in individuals affected with FCHO1-related conditions. Algorithms developed to predict the effect of missense changes on protein structure and function are either unavailable or do not agree on the potential impact of this missense change (SIFT: "Tolerated"; PolyPhen-2: "Possibly Damaging"; Align-GVGD: "Class C0"). In summary, the available evidence is currently insufficient to determine the role of this variant in disease. Therefore, it has been classified as a Variant of Uncertain Significance.